The following is an entry in ClinVar:

ClinVar aggregate classification (germline): Likely benign. Review status: criteria provided, multiple submitters, no conflicts (2 of 4 stars). 6 submissions from 6 submitters: Likely benign (5). 1 of the submissions does not count toward it. Last evaluated 2026-02-01.

Conditions:
Neuropathy, hereditary sensory and autonomic, type 2A (HSAN2A). Also called: WNK1-Related HSAN2 (HSAN2A); ACROOSTEOLYSIS, GIACCAI TYPE; ACROOSTEOLYSIS, NEUROGENIC; NEUROPATHY, CONGENITAL SENSORY; NEUROPATHY, HEREDITARY SENSORY RADICULAR, AUTOSOMAL RECESSIVE; NEUROPATHY, HEREDITARY SENSORY, TYPE IIA. Identifiers: Orphanet 970, MedGen C2752089, MONDO:0024309, OMIM 201300.
Neuropathy, hereditary sensory, type 2C. Also called: Hereditary sensory and autonomic neuropathy type IIC; KIF1A-Related HSAN2 (HSAN2C). Identifiers: Orphanet 970, MedGen C3280168, MONDO:0013634, OMIM 614213.
Intellectual disability, autosomal dominant 9 (NESCAVS). Also called: NESCAV SYNDROME; KIF1A-Related Neurodevelopmental Disorder. Identifiers: Orphanet 662367, MedGen C5393830, MONDO:0013656, OMIM 614255.
Hereditary spastic paraplegia 30. Identifiers: Orphanet 101010, MedGen C5235139, MONDO:0012476.
KIF1A-related disorder. Also called: KIF1A-related disorders; KIF1A-related condition.
Inborn genetic diseases. Identifiers: MedGen C0950123, MeSH D030342.

Allele frequency attached by ClinVar (database versions not stated): TOPMed 0.00006.
gnomAD v4.1: 49 of 1,613,670 alleles (0.003%); highest among the groups gnomAD compares: African/African-American, 0.017%; no homozygotes.

Submissions (6):

Labcorp Genetics (formerly Invitae), Labcorp
Classification: Likely benign for Hereditary spastic paraplegia 30; Neuropathy, hereditary sensory, type 2C; Intellectual disability, autosomal dominant 9. Last evaluated: 2026-02-01. Review status: criteria provided, single submitter. Criteria: Invitae Variant Classification Sherloc (09022015). Collection method: clinical testing. Allele origin: germline.

CeGaT Center for Human Genetics Tuebingen
Classification: Likely benign. Last evaluated: 2025-11-01. Review status: criteria provided, single submitter. Criteria: CeGaT Center For Human Genetics Tuebingen Variant Classification Criteria Version 2. Collection method: clinical testing. Allele origin: germline. Affected: yes. Observed: 1 variant allele.
Comment: KIF1A: BP4, BP7

Fulgent Genetics
Classification: Likely benign for Neuropathy, hereditary sensory and autonomic, type 2A; Spastic paraplegia 30A, autosomal dominant; Neuropathy, hereditary sensory, type 2C; Intellectual disability, autosomal dominant 9. Last evaluated: 2021-11-18. Review status: criteria provided, single submitter. Criteria: ACMG Guidelines, 2015. Collection method: clinical testing. Allele origin: unknown.

Ambry Genetics
Classification: Likely benign for Inborn genetic diseases. Last evaluated: 2019-07-11. Review status: criteria provided, single submitter. Criteria: Ambry Variant Classification Scheme 2023. Collection method: clinical testing. Allele origin: germline.

GeneDx
Classification: Likely benign. Last evaluated: 2016-12-30. Review status: criteria provided, single submitter. Criteria: GeneDx Variant Classification (06012015). Collection method: clinical testing. Allele origin: germline. Affected: yes.
Comment: This variant is considered likely benign or benign based on one or more of the following criteria: it is a conservative change, it occurs at a poorly conserved position in the protein, it is predicted to be benign by multiple in silico algorithms, and/or has population frequency not consistent with disease.

PreventionGenetics, part of Exact Sciences
Classification: Likely benign for KIF1A-related condition. Last evaluated: 2019-07-01. Review status: no assertion criteria provided. Collection method: clinical testing. Allele origin: germline. Not counted in ClinVar's aggregate classification.
Comment: This variant is classified as likely benign based on ACMG/AMP sequence variant interpretation guidelines (Richards et al. 2015 PMID: 25741868, with internal and published modifications).

NM_001244008.2(KIF1A):c.204G>A (p.Ala68=)

Gene: KIF1A (kinesin family member 1A; minus strand). Cytogenetic location: 2q37.3.
Variant type: single nucleotide variant.
Coding change: c.204G>A on transcript NM_001244008.2 (MANE Select); coding-DNA position 204, G replaced by A.
Protein change: p.Ala68=; no amino-acid change (alanine 68 retained).
Molecular consequence: synonymous variant.
Genome position (GRCh38, 1-based): chr2:240,788,210, C>T on the plus strand (G>A on the coding strand, the complement: KIF1A is on the minus strand). VCF-style: chr2-240788210-C-T. GRCh37 (hg19) VCF-style: chr2-241727627-C-T.
Other names: c.204G>A (NM_004321.7, NM_001244008.1); c.204G>A, p.Ala68= (NM_001320705.2, NM_001330289.2, NM_001330290.2 and 20 more transcripts).
Identifiers: ClinVar variation 392211 (VCV000392211.23), dbSNP rs141052770, ClinGen allele CA2208851.